The following is an entry in ClinVar:

ClinVar aggregate classification (germline): Likely pathogenic (1 of 4 stars; one submission).

Conditions:
Charlevoix-Saguenay spastic ataxia (SACS). Also called: AUTOSOMAL RECESSIVE SPASTIC ATAXIA OF CHARLEVOIX-SAGUENAY; Spastic ataxia of Charlevoix-Saguenay; SPASTIC ATAXIA 6, AUTOSOMAL RECESSIVE. Identifiers: Orphanet 98, MedGen C1849140, MONDO:0010041, OMIM 270550.

Submission:

PROSPAX: an integrated multimodal progression  chart in spastic ataxias, Center for Neurology; Hertie-Institute for Clinical Brain Research
Classification: Likely pathogenic for Charlevoix-Saguenay spastic ataxia. Last evaluated: 2022-01-01. Review status: criteria provided, single submitter. Criteria: ACMG Guidelines, 2015. Collection method: research. Allele origin: germline. Affected: yes.
Comment: Variant seen in compound het: [c.13132C>T;c.8279del]

NM_014363.6(SACS):c.8279del (p.Asn2760fs)

Gene: SACS (sacsin molecular chaperone; minus strand). Cytogenetic location: 13q12.12.
Variant type: Deletion.
Coding change: c.8279del on transcript NM_014363.6 (MANE Select); coding-DNA position 8279, one base deleted (A; older notation c.8279delA).
Protein change: p.Asn2760fs; shifts the reading frame from asparagine 2760.
Molecular consequence: frameshift variant.
Genome position (GRCh38, 1-based): chr13:23,335,597, T deleted on the plus strand (A on the coding strand, the reverse complement: SACS is on the minus strand); the first of 3 consecutive T bases (chr13:23,335,597-23,335,599); deleting any one gives the same sequence. VCF-style (leftmost placement, unchanged base first): chr13-23335596-AT-A. GRCh37 (hg19) VCF-style: chr13-23909735-AT-A.
Other names: c.7838del, p.Asn2613fs (NM_001278055.2); short protein forms N2613fs, N2760fs.
Identifiers: ClinVar variation 3242491 (VCV003242491.1).
Genomic context (GRCh38, chr13:23,335,596, plus strand): 5'-AAATTGTTTCCTTTTCAATCTGTCTCCATCTGTGATTTTGCCCTTTACTGAATACAGCAC[AT>A]TTAGAGCTCCAGTACTCTTATCTATTTCACAAATAGAAATTTTTTCCATGTGATTAAGAA-3'